The following is an entry in ClinVar:

NM_006302.3(MOGS):c.142G>A (p.Val48Ile)

Genes: MOGS (mannosyl-oligosaccharide glucosidase; minus strand), LOC129934128 (ATAC-STARR-seq lymphoblastoid silent region 11664; plus strand). Cytogenetic location: 2p13.1.
Variant type: single nucleotide variant.
Coding change: c.142G>A on transcript NM_006302.3 (MANE Select); coding-DNA position 142, G replaced by A.
Protein change: p.Val48Ile; replaces valine 48 with isoleucine.
Molecular consequence: missense variant. On other transcripts: intron variant (1).
Genome position (GRCh38, 1-based): chr2:74,465,106, C>T on the plus strand (G>A on the coding strand, the complement: MOGS is on the minus strand). VCF-style: chr2-74465106-C-T. GRCh37 (hg19) VCF-style: chr2-74692233-C-T.
Other names: c.-58-119G>A (NM_001146158.2); short protein forms V48I.
Identifiers: ClinVar variation 1942681 (VCV001942681.2), dbSNP rs969581838, ClinGen allele CA50477094.

ClinVar aggregate classification (germline): Uncertain significance (1 of 4 stars; one submission).

Conditions:
MOGS-congenital disorder of glycosylation. Also called: CDG IIb; GLUCOSIDASE I DEFICIENCY; CDG 2B; MOGS-CDG. Identifiers: Orphanet 79330, MedGen C1853736, MONDO:0011629, OMIM 606056.

Allele frequency attached by ClinVar (database versions not stated): gnomAD exomes below 0.00001; TOPMed 0.00001.

Submission:

Labcorp Genetics (formerly Invitae), Labcorp
Classification: Uncertain significance for MOGS-congenital disorder of glycosylation. Last evaluated: 2022-03-10. Review status: criteria provided, single submitter. Criteria: Invitae Variant Classification Sherloc (09022015). Collection method: clinical testing. Allele origin: germline.
Comment: This sequence change replaces valine, which is neutral and non-polar, with isoleucine, which is neutral and non-polar, at codon 48 of the MOGS protein (p.Val48Ile). This variant is not present in population databases (gnomAD no frequency). This variant has not been reported in the literature in individuals affected with MOGS-related conditions. Algorithms developed to predict the effect of missense changes on protein structure and function output the following: SIFT: "Tolerated"; PolyPhen-2: "Possibly Damaging"; Align-GVGD: "Class C0". The isoleucine amino acid residue is found in multiple mammalian species, which suggests that this missense change does not adversely affect protein function. In summary, the available evidence is currently insufficient to determine the role of this variant in disease. Therefore, it has been classified as a Variant of Uncertain Significance.